The following is an entry in ClinVar:

ClinVar aggregate classification (germline): Uncertain significance (1 of 4 stars; one submission).

Conditions:
Microcephaly, normal intelligence and immunodeficiency (NBS). Also called: Ataxia telangiectasia variant V1; SEEMANOVA SYNDROME II; IMMUNODEFICIENCY, MICROCEPHALY, AND CHROMOSOMAL INSTABILITY; Nijmegen breakage syndrome; BERLIN BREAKAGE SYNDROME; Microcephaly with normal intelligence immunodeficiency and lymphoreticular malignancies. Identifiers: Orphanet 647, MedGen C0398791, MONDO:0009623, OMIM 251260.

Submission:

Labcorp Genetics (formerly Invitae), Labcorp
Classification: Uncertain significance for Microcephaly, normal intelligence and immunodeficiency. Last evaluated: 2022-07-01. Review status: criteria provided, single submitter. Criteria: Invitae Variant Classification Sherloc (09022015). Collection method: clinical testing. Allele origin: germline.
Comment: This sequence change replaces arginine, which is basic and polar, with isoleucine, which is neutral and non-polar, at codon 482 of the NBN protein (p.Arg482Ile). This variant is not present in population databases (gnomAD no frequency). This variant has not been reported in the literature in individuals affected with NBN-related conditions. Algorithms developed to predict the effect of missense changes on protein structure and function are either unavailable or do not agree on the potential impact of this missense change (SIFT: "Tolerated"; PolyPhen-2: "Possibly Damaging"; Align-GVGD: "Class C0"). Algorithms developed to predict the effect of sequence changes on RNA splicing suggest that this variant may disrupt the consensus splice site. In summary, the available evidence is currently insufficient to determine the role of this variant in disease. Therefore, it has been classified as a Variant of Uncertain Significance.

NM_002485.5(NBN):c.1445G>T (p.Arg482Ile)

Gene: NBN (nibrin; minus strand). Cytogenetic location: 8q21.3.
Variant type: single nucleotide variant.
Coding change: c.1445G>T on transcript NM_002485.5 (MANE Select); coding-DNA position 1445, G replaced by T.
Protein change: p.Arg482Ile; replaces arginine 482 with isoleucine.
Molecular consequence: missense variant.
Genome position (GRCh38, 1-based): chr8:89,953,644, C>A on the plus strand (G>T on the coding strand, the complement: NBN is on the minus strand). VCF-style: chr8-89953644-C-A. GRCh37 (hg19) VCF-style: chr8-90965872-C-A.
Other names: c.1199G>T, p.Arg400Ile (NM_001024688.3); short protein forms R400I, R482I.
Identifiers: ClinVar variation 2073705 (VCV002073705.1), dbSNP rs775451862, ClinGen allele CA181258170.